The following is an entry in ClinVar:

NM_032043.3(BRIP1):c.3292_3294delinsTTGTCT (p.Ala1098delinsLeuSer)

Gene: BRIP1 (BRCA1 interacting DNA helicase 1; minus strand). Cytogenetic location: 17q23.2.
Variant type: Indel.
Coding change: c.3292_3294delinsTTGTCT on transcript NM_032043.3 (MANE Select); coding-DNA positions 3292 to 3294, GCC replaced by TTGTCT.
Protein change: p.Ala1098delinsLeuSer.
Molecular consequence: inframe indel.
Genome position (GRCh38, 1-based): chr17:61,683,752-61,683,754, GGC replaced by AGACAA on the plus strand (GCC replaced by TTGTCT on the coding strand, the reverse complement: BRIP1 is on the minus strand). VCF-style: chr17-61683752-GGC-AGACAA. GRCh37 (hg19) VCF-style: chr17-59761113-GGC-AGACAA.
Identifiers: ClinVar variation 1172148 (VCV001172148.4), dbSNP rs2144081338, ClinGen allele CA2499224782.

ClinVar aggregate classification (germline): Uncertain significance (1 of 4 stars; one submission).

Conditions:
Hereditary cancer-predisposing syndrome. Also called: Tumor predisposition; Hereditary neoplastic syndrome; Hereditary Cancer Syndrome; Neoplastic Syndromes, Hereditary. Identifiers: Orphanet 140162, MedGen C0027672, MeSH D009386, MONDO:0015356.

Submission:

Color Diagnostics, LLC DBA Color Health
Classification: Uncertain significance for Hereditary cancer-predisposing syndrome. Last evaluated: 2023-05-08. Review status: criteria provided, single submitter. Criteria: ACMG Guidelines, 2015. Collection method: clinical testing. Allele origin: germline.
Comment: This variant deletes one amino acid and inserts two new amino acids at codon 1098 of the BRIP1 protein. To our knowledge, functional studies have not been reported for this variant. This variant has not been reported in individuals affected with hereditary cancer in the literature. This variant has not been identified in the general population by the Genome Aggregation Database (gnomAD). The available evidence is insufficient to determine the role of this variant in disease conclusively. Therefore, this variant is classified as a Variant of Uncertain Significance.